The following is an entry in ClinVar:

ClinVar aggregate classification (germline): Uncertain significance (1 of 4 stars; one submission).

Conditions:
Inborn genetic diseases. Identifiers: MedGen C0950123, MeSH D030342.

Allele frequency attached by ClinVar (database versions not stated): gnomAD exomes below 0.00001.
gnomAD v4.1: 1 of 1,613,950 alleles (0.000062%); highest among the groups gnomAD compares: Admixed American, 0.0017%; no homozygotes.

Submission:

Ambry Genetics
Classification: Uncertain significance for Inborn genetic diseases. Last evaluated: 2023-04-01. Review status: criteria provided, single submitter. Criteria: Ambry Variant Classification Scheme 2023. Collection method: clinical testing. Allele origin: germline.
Comment: The p.E2078A variant (also known as c.6233A>C), located in coding exon 23 of the F5 gene, results from an A to C substitution at nucleotide position 6233. The glutamic acid at codon 2078 is replaced by alanine, an amino acid with dissimilar properties. This amino acid position is conserved. In addition, this alteration is predicted to be tolerated by in silico analysis. Since supporting evidence is limited at this time, the clinical significance of this alteration remains unclear.

NM_000130.5(F5):c.6233A>C (p.Glu2078Ala)

Gene: F5 (coagulation factor V; minus strand). Cytogenetic location: 1q24.2.
Variant type: single nucleotide variant.
Coding change: c.6233A>C on transcript NM_000130.5 (MANE Select); coding-DNA position 6233, A replaced by C.
Protein change: p.Glu2078Ala; replaces glutamic acid 2078 with alanine.
Molecular consequence: missense variant.
Genome position (GRCh38, 1-based): chr1:169,518,524, T>G on the plus strand (A>C on the coding strand, the complement: F5 is on the minus strand). VCF-style: chr1-169518524-T-G. GRCh37 (hg19) VCF-style: chr1-169487762-T-G.
Other names: short protein forms E2078A.
Identifiers: ClinVar variation 2567183 (VCV002567183.2), dbSNP rs1157345306, ClinGen allele CA343120827.